The following is an entry in ClinVar:

ClinVar aggregate classification (germline): Conflicting classifications of pathogenicity. Review status: criteria provided, conflicting classifications (1 of 4 stars). 2 submissions from 2 submitters: Likely pathogenic (1); Uncertain significance (1). Last evaluated 2022-12-07.

Conditions:
Diamond-Blackfan anemia. Also called: Blackfan Diamond syndrome; Aregenerative anemia chronic congenital; Red cell aplasia, pure hereditary; Congenital hypoplastic anemia; Aase syndrome. Identifiers: Orphanet 124, MedGen C1260899, MeSH D029503, MONDO:0015253, HP:0004810.
Diamond-Blackfan anemia 7 (DBA7). Also called: RPL11-Related Diamond-Blackfan Anemia. Identifiers: Orphanet 124, MedGen C2675512, MONDO:0012938, OMIM 612562.

Submissions (3):

Institute of Medical Genetics and Applied Genomics, University Hospital Tübingen
Classification: Uncertain significance for Diamond-Blackfan anemia 7. Last evaluated: 2022-12-07. Review status: criteria provided, single submitter. Criteria: ACMG Guidelines, 2015. Collection method: clinical testing. Allele origin: germline. Inheritance: Autosomal dominant inheritance. Affected: yes.

Ambry Genetics
Classification: Likely pathogenic for Diamond-Blackfan anemia. Last evaluated: 2016-11-23. Review status: criteria provided, single submitter. Criteria: Ambry Variant Classification Scheme 2023. Collection method: clinical testing. Allele origin: germline.
Comment: The c.508-9_508-5delCTCTT intronic variant, located in intron 5 of the RPL11 gene, results from a deletion of 5 nucleotides within intron 5 of the RPL11 gene. In our internal cohort, this variant was observed in two unrelated individuals meeting diagnostic criteria for Diamond-Blackfan Anemia. These nucleotide positions are well conserved in available vertebrate species. Using the BDGP and ESEfinder splice site prediction tools, this alteration is predicted to abolish the native splice acceptor site; however, direct evidence is unavailable. Based on the majority of available evidence to date, this variant is likely to be pathogenic.

Dr. Peter K. Rogan Lab, Western University
No classification provided (evidence only). Condition: Hepatocellular carcinoma. Review status: no classification provided. Collection method: in vitro. Allele origin: not applicable. Functional consequence: retained intron. Not counted in ClinVar's aggregate classification.

NM_000975.5(RPL11):c.508-9_508-5del

Gene: RPL11 (ribosomal protein L11; plus strand). Cytogenetic location: 1p36.11.
Variant type: Microsatellite.
Coding change: c.508-9_508-5del on transcript NM_000975.5 (MANE Select); 9 bases into the intron before coding-DNA position 508 through 5 bases into the intron before coding-DNA position 508, 5 bases deleted (CTCTT; older notation c.508-9_508-5delCTCTT).
Molecular consequence: intron variant.
Genome position (GRCh38, 1-based): chr1:23,696,335-23,696,339, CTCTT deleted; deleting any 5 consecutive bases within chr1:23,696,329-23,696,339 gives the same sequence; the c. name uses the placement nearest the transcript's 3' end. VCF-style (leftmost placement, unchanged base first): chr1-23696328-ATCTCT-A. GRCh37 (hg19) VCF-style: chr1-24022818-ATCTCT-A.
Other names: NC_000001.10:g.24022825_24022829del; c.505-9_505-5del (NM_001199802.1).
Identifiers: ClinVar variation 1745252 (VCV001745252.4), dbSNP rs2523404169, ClinGen allele CA2580611431.
Genomic context (GRCh38, chr1:23,696,328, plus strand): 5'-TTCTCAAAAGTTAGCCATTGCTGCAATCTCTGCTGTTGCCTCCTGTTCTGAAAAAATTAA[ATCTCT>A]TCTCTTTCAGTATGATGGGATCATCCTTCCTGGCAAATAAATTCCCGTTTCTATCCAAAA-3'